The following is an entry in ClinVar:

NM_001100913.3(PACS2):c.1414-10G>A

Gene: PACS2 (phosphofurin acidic cluster sorting protein 2; plus strand). Cytogenetic location: 14q32.33.
Variant type: single nucleotide variant.
Coding change: c.1414-10G>A on transcript NM_001100913.3 (MANE Select); 10 bases into the intron before coding-DNA position 1414, G replaced by A.
Molecular consequence: intron variant.
Genome position (GRCh38, 1-based): chr14:105,382,467, G>A. VCF-style: chr14-105382467-G-A. GRCh37 (hg19) VCF-style: chr14-105848804-G-A.
Other names: p.?; c.1177-10G>A (NM_001243127.3); c.1402-10G>A (NM_015197.4).
Identifiers: ClinVar variation 735378 (VCV000735378.10), dbSNP rs77341653, ClinGen allele CA7388817.

ClinVar aggregate classification (germline): Benign. Review status: criteria provided, multiple submitters, no conflicts (2 of 4 stars). 2 submissions from 2 submitters: Benign (2). Last evaluated 2026-01-09.

Allele frequency attached by ClinVar (database versions not stated): gnomAD exomes 0.00009 and 0.00022; ExAC 0.00031; 1000 Genomes Project 0.00080; gnomAD 0.00082 and 0.00088; ESP Exome Variant Server 0.00092; 1000 Genomes Project 30x 0.00094; TOPMed 0.00103.
gnomAD v4.1: 252 of 1,533,452 alleles (0.016%); highest among the groups gnomAD compares: African/African-American, 0.3%; 3 homozygotes.

Submissions (2):

Labcorp Genetics (formerly Invitae), Labcorp
Classification: Benign. Last evaluated: 2026-01-09. Review status: criteria provided, single submitter. Criteria: Invitae Variant Classification Sherloc (09022015). Collection method: clinical testing. Allele origin: germline.

Mayo Clinic Laboratories, Mayo Clinic
Classification: Benign. Last evaluated: 2024-11-22. Review status: criteria provided, single submitter. Criteria: ACMG Guidelines, 2015. Collection method: clinical testing. Allele origin: germline. Observed: 1 variant allele.
Comment: BS1, BS2, BP4, BP7